The following is an entry in ClinVar:

ClinVar aggregate classification (germline): Uncertain significance. Review status: criteria provided, multiple submitters, no conflicts (2 of 4 stars). 2 submissions from 2 submitters: Uncertain significance (2). Last evaluated 2026-02-02.

Conditions:
Inborn genetic diseases. Identifiers: MedGen C0950123, MeSH D030342.
Neuronal ceroid lipofuscinosis. Also called: Neuronal Ceroid Lipofuscinoses. Identifiers: Orphanet 216, Orphanet 79263, MedGen C0027877, MONDO:0016295. Disease mechanism: loss of function.

Allele frequency attached by ClinVar (database versions not stated): ExAC 0.00002.
gnomAD v4.1: 12 of 1,614,002 alleles (0.00074%); highest among the groups gnomAD compares: East Asian, 0.0022%; no homozygotes.

Submissions (2):

Labcorp Genetics (formerly Invitae), Labcorp
Classification: Uncertain significance for Neuronal ceroid lipofuscinosis. Last evaluated: 2026-02-02. Review status: criteria provided, single submitter. Criteria: Invitae Variant Classification Sherloc (09022015). Collection method: clinical testing. Allele origin: germline.
Comment: This sequence change replaces serine, which is neutral and polar, with leucine, which is neutral and non-polar, at codon 144 of the CTSD protein (p.Ser144Leu). This variant is present in population databases (rs754147413, gnomAD 0.006%). This variant has not been reported in the literature in individuals affected with CTSD-related conditions. ClinVar contains an entry for this variant (Variation ID: 1466986). Invitae Evidence Modeling of protein sequence and biophysical properties (such as structural, functional, and spatial information, amino acid conservation, physicochemical variation, residue mobility, and thermodynamic stability) indicates that this missense variant is not expected to disrupt CTSD protein function with a negative predictive value of 80%. In summary, the available evidence is currently insufficient to determine the role of this variant in disease. Therefore, it has been classified as a Variant of Uncertain Significance.

Ambry Genetics
Classification: Uncertain significance for Inborn genetic diseases. Last evaluated: 2018-01-19. Review status: criteria provided, single submitter. Criteria: Ambry Variant Classification Scheme 2023. Collection method: clinical testing. Allele origin: germline.
Comment: The p.S144L variant (also known as c.431C>T), located in coding exon 4 of the CTSD gene, results from a C to T substitution at nucleotide position 431. The serine at codon 144 is replaced by leucine, an amino acid with dissimilar properties. This amino acid position is not well conserved in available vertebrate species. In addition, this alteration is predicted to be tolerated by in silico analysis. Since supporting evidence is limited at this time, the clinical significance of this alteration remains unclear.

NM_001909.5(CTSD):c.431C>T (p.Ser144Leu)

Gene: CTSD (cathepsin D; minus strand). Cytogenetic location: 11p15.5.
Variant type: single nucleotide variant.
Coding change: c.431C>T on transcript NM_001909.5 (MANE Select); coding-DNA position 431, C replaced by T.
Protein change: p.Ser144Leu; replaces serine 144 with leucine.
Molecular consequence: missense variant.
Genome position (GRCh38, 1-based): chr11:1,759,009, G>A on the plus strand (C>T on the coding strand, the complement: CTSD is on the minus strand). VCF-style: chr11-1759009-G-A. GRCh37 (hg19) VCF-style: chr11-1780239-G-A.
Other names: short protein forms S144L.
Identifiers: ClinVar variation 1466986 (VCV001466986.8), dbSNP rs754147413, ClinGen allele CA5814179.